The following is an entry in ClinVar:

ClinVar aggregate classification (germline): Uncertain significance (1 of 4 stars; one submission).

gnomAD v4.1: 1 of 1,614,086 alleles (0.000062%); highest among the groups gnomAD compares: Non-Finnish European, 0.000085%; no homozygotes.

Submission:

Ambry Genetics
Classification: Uncertain significance. Last evaluated: 2026-08-31. Review status: criteria provided, single submitter. Criteria: Ambry Variant Classification Scheme 2023. Collection method: clinical testing. Allele origin: germline.
Comment: The p.C741R variant (also known as c.2221T>C), located in coding exon 12 of the ATRIP gene, results from a T to C substitution at nucleotide position 2221. The cysteine at codon 741 is replaced by arginine, an amino acid with highly dissimilar properties. This amino acid position is conserved. In addition, this alteration is predicted to be deleterious by in silico analysis. Based on the available evidence, the clinical significance of this variant remains unclear.

NM_130384.3(ATRIP):c.2221T>C (p.Cys741Arg)

Genes: ATRIP (ATR interacting protein; plus strand), ATRIP-TREX1 (ATRIP-TREX1 readthrough; plus strand). Cytogenetic location: 3p21.31.
Variant type: single nucleotide variant.
Coding change: c.2221T>C on transcript NM_130384.3 (MANE Select); coding-DNA position 2221, T replaced by C.
Protein change: p.Cys741Arg; replaces cysteine 741 with arginine.
Molecular consequence: missense variant. On other transcripts: non-coding transcript variant (1).
Genome position (GRCh38, 1-based): chr3:48,464,996, T>C. VCF-style: chr3-48464996-T-C. GRCh37 (hg19) VCF-style: chr3-48506395-T-C.
Other names: c.1840T>C, p.Cys614Arg (NM_001271022.2); c.1942T>C, p.Cys648Arg (NM_001271023.2); c.2140T>C, p.Cys714Arg (NM_032166.4); short protein forms C614R, C648R, C714R, C741R.
Identifiers: ClinVar variation 5032475 (VCV005032475.1).